The following is an entry in ClinVar:

NM_020778.5(ALPK3):c.5G>A (p.Gly2Glu)

Gene: ALPK3 (alpha kinase 3; plus strand). Cytogenetic location: 15q25.3.
Variant type: single nucleotide variant.
Coding change: c.5G>A on transcript NM_020778.5 (MANE Select); coding-DNA position 5, G replaced by A.
Protein change: p.Gly2Glu; replaces glycine 2 with glutamic acid.
Molecular consequence: missense variant.
Genome position (GRCh38, 1-based): chr15:84,817,457, G>A. VCF-style: chr15-84817457-G-A. GRCh37 (hg19) VCF-style: chr15-85360688-G-A.
Other names: short protein forms G2E.
Identifiers: ClinVar variation 2113132 (VCV002113132.4), dbSNP rs1359967345, ClinGen allele CA393369272.

ClinVar aggregate classification (germline): Uncertain significance (1 of 4 stars; one submission).

Submission:

Labcorp Genetics (formerly Invitae), Labcorp
Classification: Uncertain significance. Last evaluated: 2022-03-16. Review status: criteria provided, single submitter. Criteria: Invitae Variant Classification Sherloc (09022015). Collection method: clinical testing. Allele origin: germline.
Comment: In summary, the available evidence is currently insufficient to determine the role of this variant in disease. Therefore, it has been classified as a Variant of Uncertain Significance. Algorithms developed to predict the effect of missense changes on protein structure and function are either unavailable or do not agree on the potential impact of this missense change (SIFT: "Tolerated"; PolyPhen-2: "Probably Damaging"; Align-GVGD: "Class C0"). This variant has not been reported in the literature in individuals affected with ALPK3-related conditions. This variant is not present in population databases (gnomAD no frequency). This sequence change replaces glycine, which is neutral and non-polar, with glutamic acid, which is acidic and polar, at codon 204 of the ALPK3 protein (p.Gly204Glu).